The following is an entry in ClinVar:

NM_002439.5(MSH3):c.506T>C (p.Phe169Ser)

Gene: MSH3 (mutS homolog 3; plus strand). Cytogenetic location: 5q14.1.
Variant type: single nucleotide variant.
Coding change: c.506T>C on transcript NM_002439.5 (MANE Select); coding-DNA position 506, T replaced by C.
Protein change: p.Phe169Ser; replaces phenylalanine 169 with serine.
Molecular consequence: missense variant.
Genome position (GRCh38, 1-based): chr5:80,665,290, T>C. VCF-style: chr5-80665290-T-C. GRCh37 (hg19) VCF-style: chr5-79961109-T-C.
Other names: c.506T>C (NM_002439.3); short protein forms F169S.
Identifiers: ClinVar variation 955244 (VCV000955244.12), dbSNP rs1749544529, ClinGen allele CA360264000.

ClinVar aggregate classification (germline): Uncertain significance. Review status: criteria provided, multiple submitters, no conflicts (2 of 4 stars). 2 submissions from 2 submitters: Uncertain significance (2). Last evaluated 2025-10-01.

Conditions:
Hereditary cancer-predisposing syndrome. Also called: Hereditary neoplastic syndrome; Tumor predisposition; Neoplastic Syndromes, Hereditary; Hereditary Cancer Syndrome. Identifiers: Orphanet 140162, MedGen C0027672, MeSH D009386, MONDO:0015356.

Submissions (2):

Ambry Genetics
Classification: Uncertain significance for Hereditary cancer-predisposing syndrome. Last evaluated: 2025-10-01. Review status: criteria provided, single submitter. Criteria: Ambry Variant Classification Scheme 2023. Collection method: clinical testing. Allele origin: germline.
Comment: The p.F169S variant (also known as c.506T>C), located in coding exon 3 of the MSH3 gene, results from a T to C substitution at nucleotide position 506. The phenylalanine at codon 169 is replaced by serine, an amino acid with highly dissimilar properties. This amino acid position is conserved. In addition, this alteration is predicted to be tolerated by in silico analysis. Since supporting evidence is limited at this time, the clinical significance of this alteration remains unclear.

Labcorp Genetics (formerly Invitae), Labcorp
Classification: Uncertain significance. Last evaluated: 2022-07-22. Review status: criteria provided, single submitter. Criteria: Invitae Variant Classification Sherloc (09022015). Collection method: clinical testing. Allele origin: germline.
Comment: In summary, the available evidence is currently insufficient to determine the role of this variant in disease. Therefore, it has been classified as a Variant of Uncertain Significance. Algorithms developed to predict the effect of missense changes on protein structure and function are either unavailable or do not agree on the potential impact of this missense change (SIFT: "Deleterious"; PolyPhen-2: "Benign"; Align-GVGD: "Class C0"). ClinVar contains an entry for this variant (Variation ID: 955244). This variant has not been reported in the literature in individuals affected with MSH3-related conditions. This variant is not present in population databases (gnomAD no frequency). This sequence change replaces phenylalanine, which is neutral and non-polar, with serine, which is neutral and polar, at codon 169 of the MSH3 protein (p.Phe169Ser).